The following is an entry in ClinVar:

ClinVar aggregate classification (germline): Likely pathogenic (1 of 4 stars; one submission).

Submission:

GeneDx
Classification: Likely pathogenic. Last evaluated: 2023-05-09. Review status: criteria provided, single submitter. Criteria: GeneDx Variant Classification Process June 2021. Collection method: clinical testing. Allele origin: germline.
Comment: Identified in two monozygotic twins with a classic Dravet syndrome phenotype, however segregation information was not provided (Tilli et al., 2020); Not observed at significant frequency in large population cohorts (gnomAD); In silico analysis supports that this missense variant has a deleterious effect on protein structure/function; Missense variants in this gene are often considered pathogenic (HGMD); This substitution is predicted to be within the C-terminal cytoplasmic domain; This variant is associated with the following publications: (PMID: 31765958)

NM_001165963.4(SCN1A):c.5621G>C (p.Arg1874Pro)

Genes: SCN1A (sodium voltage-gated channel alpha subunit 1; minus strand), LOC102724058 (uncharacterized LOC102724058; plus strand). Cytogenetic location: 2q24.3.
Variant type: single nucleotide variant.
Coding change: c.5621G>C on transcript NM_001165963.4 (MANE Select); coding-DNA position 5621, G replaced by C.
Protein change: p.Arg1874Pro; replaces arginine 1874 with proline.
Molecular consequence: missense variant. On other transcripts: non-coding transcript variant (1).
Genome position (GRCh38, 1-based): chr2:165,991,654, C>G on the plus strand (G>C on the coding strand, the complement: SCN1A is on the minus strand). VCF-style: chr2-165991654-C-G. GRCh37 (hg19) VCF-style: chr2-166848164-C-G.
Other names: c.5537G>C, p.Arg1846Pro (NM_001165964.3, NM_001353957.2, NM_001353958.2); c.5621G>C, p.Arg1874Pro (NM_001202435.3, NM_001353948.2); c.5588G>C, p.Arg1863Pro (NM_001353949.2, NM_001353950.2, NM_001353951.2 and 2 more transcripts); c.5585G>C, p.Arg1862Pro (NM_001353954.2, NM_001353955.2); c.5534G>C, p.Arg1845Pro (NM_001353960.2); c.3179G>C, p.Arg1060Pro (NM_001353961.2); short protein forms R1060P, R1845P, R1846P, R1862P, R1863P, R1874P.
Identifiers: ClinVar variation 1706132 (VCV001706132.3), dbSNP rs1060502186, ClinGen allele CA349065139.